The following is an entry in ClinVar:

NM_000078.3(CETP):c.1133A>G (p.Tyr378Cys)

Gene: CETP (cholesteryl ester transfer protein; plus strand). Cytogenetic location: 16q13.
Variant type: single nucleotide variant.
Coding change: c.1133A>G on transcript NM_000078.3 (MANE Select); coding-DNA position 1133, A replaced by G.
Protein change: p.Tyr378Cys; replaces tyrosine 378 with cysteine.
Molecular consequence: missense variant.
Genome position (GRCh38, 1-based): chr16:56,978,242, A>G. VCF-style: chr16-56978242-A-G. GRCh37 (hg19) VCF-style: chr16-57012154-A-G.
Other names: c.953A>G, p.Tyr318Cys (NM_001286085.2); short protein forms Y318C, Y378C.
Identifiers: ClinVar variation 2722544 (VCV002722544.3), dbSNP rs36122917, ClinGen allele CA8071224.

ClinVar aggregate classification (germline): Uncertain significance (1 of 4 stars; one submission).

Allele frequency attached by ClinVar (database versions not stated): ExAC 0.00002; gnomAD 0.00002; TOPMed 0.00003; gnomAD exomes 0.00004.
gnomAD v4.1: 69 of 1,614,020 alleles (0.0043%); highest among the groups gnomAD compares: Non-Finnish European, 0.0051%; no homozygotes.

Submission:

Labcorp Genetics (formerly Invitae), Labcorp
Classification: Uncertain significance. Last evaluated: 2024-12-03. Review status: criteria provided, single submitter. Criteria: Invitae Variant Classification Sherloc (09022015). Collection method: clinical testing. Allele origin: germline.
Comment: This sequence change replaces tyrosine, which is neutral and polar, with cysteine, which is neutral and slightly polar, at codon 378 of the CETP protein (p.Tyr378Cys). This variant is present in population databases (rs36122917, gnomAD 0.004%). This variant has not been reported in the literature in individuals affected with CETP-related conditions. ClinVar contains an entry for this variant (Variation ID: 2722544). Invitae Evidence Modeling of protein sequence and biophysical properties (such as structural, functional, and spatial information, amino acid conservation, physicochemical variation, residue mobility, and thermodynamic stability) indicates that this missense variant is not expected to disrupt CETP protein function with a negative predictive value of 80%. In summary, the available evidence is currently insufficient to determine the role of this variant in disease. Therefore, it has been classified as a Variant of Uncertain Significance.